The following is an entry in ClinVar:

NM_152281.3(GORAB):c.859G>T (p.Val287Leu)

Gene: GORAB (golgin, RAB6 interacting; plus strand). Cytogenetic location: 1q24.2.
Variant type: single nucleotide variant.
Coding change: c.859G>T on transcript NM_152281.3 (MANE Select); coding-DNA position 859, G replaced by T.
Protein change: p.Val287Leu; replaces valine 287 with leucine.
Molecular consequence: missense variant. On other transcripts: non-coding transcript variant (1).
Genome position (GRCh38, 1-based): chr1:170,552,211, G>T. VCF-style: chr1-170552211-G-T. GRCh37 (hg19) VCF-style: chr1-170521352-G-T.
Other names: c.394G>T, p.Val132Leu (NM_001320252.2); c.808G>T, p.Val270Leu (NM_001410894.1); short protein forms V270L, V132L, V287L.
Identifiers: ClinVar variation 1937250 (VCV001937250.4), dbSNP rs1162900788, ClinGen allele CA343165020.

ClinVar aggregate classification (germline): Uncertain significance. Review status: criteria provided, multiple submitters, no conflicts (2 of 4 stars). 3 submissions from 3 submitters: Uncertain significance (3). Last evaluated 2023-04-11.

Conditions:
Geroderma osteodysplastica (GO). Also called: WALT DISNEY DWARFISM; Geroderma osteodysplasticum. Identifiers: Orphanet 2078, MedGen C0432255, MONDO:0009271, OMIM 231070.
Inborn genetic diseases. Identifiers: MedGen C0950123, MeSH D030342.

Allele frequency attached by ClinVar (database versions not stated): TOPMed below 0.00001; gnomAD 0.00001.

Submissions (3):

Genome-Nilou Lab
Classification: Uncertain significance for Geroderma osteodysplastica. Last evaluated: 2023-04-11. Review status: criteria provided, single submitter. Criteria: ACMG Guidelines, 2015. Collection method: clinical testing. Allele origin: germline. Affected: no.

Ambry Genetics
Classification: Uncertain significance for Inborn genetic diseases. Last evaluated: 2022-07-07. Review status: criteria provided, single submitter. Criteria: Ambry Variant Classification Scheme 2023. Collection method: clinical testing. Allele origin: germline.

Labcorp Genetics (formerly Invitae), Labcorp
Classification: Uncertain significance. Last evaluated: 2021-12-19. Review status: criteria provided, single submitter. Criteria: Invitae Variant Classification Sherloc (09022015). Collection method: clinical testing. Allele origin: germline.
Comment: This sequence change replaces valine, which is neutral and non-polar, with leucine, which is neutral and non-polar, at codon 312 of the GORAB protein (p.Val312Leu). This variant is present in population databases (no rsID available, gnomAD 0.0009%). This variant has not been reported in the literature in individuals affected with GORAB-related conditions. Algorithms developed to predict the effect of missense changes on protein structure and function (SIFT, PolyPhen-2, Align-GVGD) all suggest that this variant is likely to be tolerated. In summary, the available evidence is currently insufficient to determine the role of this variant in disease. Therefore, it has been classified as a Variant of Uncertain Significance.